The following is an entry in ClinVar:

NM_018714.3(COG1):c.626C>T (p.Ala209Val)

Gene: COG1 (component of oligomeric golgi complex 1; plus strand). Cytogenetic location: 17q25.1.
Variant type: single nucleotide variant.
Coding change: c.626C>T on transcript NM_018714.3 (MANE Select); coding-DNA position 626, C replaced by T.
Protein change: p.Ala209Val; replaces alanine 209 with valine.
Molecular consequence: missense variant.
Genome position (GRCh38, 1-based): chr17:73,196,965, C>T. VCF-style: chr17-73196965-C-T. GRCh37 (hg19) VCF-style: chr17-71193104-C-T.
Other names: c.626C>T (NM_018714.2); short protein forms A209V.
Identifiers: ClinVar variation 2157338 (VCV002157338.5), dbSNP rs749597821, ClinGen allele CA8740029.

ClinVar aggregate classification (germline): Uncertain significance. Review status: criteria provided, multiple submitters, no conflicts (2 of 4 stars). 2 submissions from 2 submitters: Uncertain significance (2). Last evaluated 2024-12-16.

Conditions:
Inborn genetic diseases. Identifiers: MedGen C0950123, MeSH D030342.
COG1 congenital disorder of glycosylation (CDG2G). Also called: CONGENITAL DISORDER OF GLYCOSYLATION, TYPE IIg; CDG IIg; CDGII/COG1 CEREBROCOSTOMANDIBULAR-LIKE SYNDROME. Identifiers: Orphanet 263508, MedGen C2931011, MONDO:0012637, OMIM 611209.

Allele frequency attached by ClinVar (database versions not stated): gnomAD exomes below 0.00001; ExAC 0.00001.
gnomAD v4.1: 1 of 1,614,194 alleles (0.000062%); highest among the groups gnomAD compares: Admixed American, 0.0017%; no homozygotes.

Submissions (2):

Labcorp Genetics (formerly Invitae), Labcorp
Classification: Uncertain significance for COG1 congenital disorder of glycosylation. Last evaluated: 2024-12-16. Review status: criteria provided, single submitter. Criteria: Invitae Variant Classification Sherloc (09022015). Collection method: clinical testing. Allele origin: germline.
Comment: This sequence change replaces alanine, which is neutral and non-polar, with valine, which is neutral and non-polar, at codon 209 of the COG1 protein (p.Ala209Val). This variant is present in population databases (rs749597821, gnomAD 0.003%). This variant has not been reported in the literature in individuals affected with COG1-related conditions. ClinVar contains an entry for this variant (Variation ID: 2157338). Invitae Evidence Modeling of protein sequence and biophysical properties (such as structural, functional, and spatial information, amino acid conservation, physicochemical variation, residue mobility, and thermodynamic stability) has been performed for this missense variant. However, the output from this modeling did not meet the statistical confidence thresholds required to predict the impact of this variant on COG1 protein function. In summary, the available evidence is currently insufficient to determine the role of this variant in disease. Therefore, it has been classified as a Variant of Uncertain Significance.

Ambry Genetics
Classification: Uncertain significance for Inborn genetic diseases. Last evaluated: 2021-08-02. Review status: criteria provided, single submitter. Criteria: Ambry Variant Classification Scheme 2023. Collection method: clinical testing. Allele origin: germline.